The following is an entry in ClinVar:

NM_003647.3(DGKE):c.744+17del

Gene: DGKE (diacylglycerol kinase epsilon; plus strand). Cytogenetic location: 17q22.
Variant type: Deletion.
Coding change: c.744+17del on transcript NM_003647.3 (MANE Select); 17 bases into the intron after coding-DNA position 744, one base deleted (A; older notation c.744+17delA).
Molecular consequence: intron variant.
Genome position (GRCh38, 1-based): chr17:56,845,826, A deleted; the last of 7 consecutive A bases (chr17:56,845,820-56,845,826); deleting any one gives the same sequence. VCF-style (leftmost placement, unchanged base first): chr17-56845819-GA-G. GRCh37 (hg19) VCF-style: chr17-54923180-GA-G.
Other names: p.?.
Identifiers: ClinVar variation 1338264 (VCV001338264.13), dbSNP rs561537916, ClinGen allele CA8663587.

ClinVar aggregate classification (germline): Benign/Likely benign. Review status: criteria provided, multiple submitters, no conflicts (2 of 4 stars). 4 submissions from 4 submitters: Benign (2); Likely benign (2). Last evaluated 2026-02-03.

Submissions (4):

Labcorp Genetics (formerly Invitae), Labcorp
Classification: Benign. Last evaluated: 2026-02-03. Review status: criteria provided, single submitter. Criteria: Invitae Variant Classification Sherloc (09022015). Collection method: clinical testing. Allele origin: germline.

Mayo Clinic Laboratories, Mayo Clinic
Classification: Likely benign. Last evaluated: 2025-07-30. Review status: criteria provided, single submitter. Criteria: ACMG Guidelines, 2015. Collection method: clinical testing. Allele origin: germline. Observed: 15 variant alleles.
Comment: BS1, BP4, BP7

Blueprint Genetics
Classification: Likely benign. Last evaluated: 2024-11-20. Review status: criteria provided, single submitter. Criteria: ACMG Guidelines, 2015. Collection method: clinical testing. Allele origin: germline.

Genetic Services Laboratory, University of Chicago
Classification: Benign. Last evaluated: 2019-04-20. Review status: criteria provided, single submitter. Criteria: ACMG Guidelines, 2015. Collection method: clinical testing. Allele origin: germline. Affected: no.